The following is an entry in ClinVar:

NM_005726.6(TSFM):c.1A>T (p.Met1Leu)

Gene: TSFM (Ts translation elongation factor, mitochondrial; plus strand). Cytogenetic location: 12q14.1.
Variant type: single nucleotide variant.
Coding change: c.1A>T on transcript NM_005726.6 (MANE Select); coding-DNA position 1, A replaced by T.
Protein change: p.Met1Leu; changes the start codon (methionine 1).
Molecular consequence: missense variant, initiator codon variant.
Genome position (GRCh38, 1-based): chr12:57,782,802, A>T. VCF-style: chr12-57782802-A-T. GRCh37 (hg19) VCF-style: chr12-58176585-A-T.
Other names: c.1A>T, p.Met1Leu (NM_001172695.2, NM_001172696.2, NM_001172697.2); short protein forms M1L.
Identifiers: ClinVar variation 1940093 (VCV001940093.6), dbSNP rs768942138, ClinGen allele CA385522874.

ClinVar aggregate classification (germline): Uncertain significance (1 of 4 stars; one submission).

Submission:

Labcorp Genetics (formerly Invitae), Labcorp
Classification: Uncertain significance. Last evaluated: 2022-07-06. Review status: criteria provided, single submitter. Criteria: Invitae Variant Classification Sherloc (09022015). Collection method: clinical testing. Allele origin: germline.
Comment: This sequence change affects the initiator methionine of the TSFM mRNA. The next in-frame methionine is located at codon 51. This variant is not present in population databases (gnomAD no frequency). This variant has not been reported in the literature in individuals affected with TSFM-related conditions. Experimental studies and prediction algorithms are not available or were not evaluated, and the functional significance of this variant is currently unknown. In summary, the available evidence is currently insufficient to determine the role of this variant in disease. Therefore, it has been classified as a Variant of Uncertain Significance.